The following is an entry in ClinVar:

ClinVar aggregate classification (germline): Likely benign. Review status: criteria provided, multiple submitters, no conflicts (2 of 4 stars). 2 submissions from 2 submitters: Likely benign (2). Last evaluated 2018-01-13.

Conditions:
Ellis-van Creveld syndrome (EVC). Also called: EVC-Related Ellis-van Creveld Syndrome; EVC2-Related Ellis-van Creveld Syndrome; MESOECTODERMAL DYSPLASIA; Chondroectodermal dysplasia. Identifiers: Orphanet 289, MedGen C0013903, MONDO:0009162, OMIM 225500.

Allele frequency attached by ClinVar (database versions not stated): gnomAD 0.00041; 1000 Genomes Project 30x 0.00047; TOPMed 0.00051; 1000 Genomes Project 0.00060.

Submissions (2):

Illumina Laboratory Services, Illumina
Classification: Likely benign for Ellis-van Creveld syndrome. Last evaluated: 2018-01-13. Review status: criteria provided, single submitter. Criteria: ICSL Variant Classification Criteria 13 December 2019. Collection method: clinical testing. Allele origin: germline.
Comment: This variant was observed in the ICSL laboratory as part of a predisposition screen in an ostensibly healthy population. It had not been previously curated by ICSL or reported in the Human Gene Mutation Database (HGMD: prior to June 1st, 2018), and was therefore a candidate for classification through an automated scoring system. Utilizing variant allele frequency, disease prevalence and penetrance estimates, and inheritance mode, an automated score was calculated to assess if this variant is too frequent to cause the disease. Based on the score and internal cut-off values, a variant classified as likely benign is not then subjected to further curation. The score for this variant resulted in a classification of likely benign for this disease.

Breakthrough Genomics
Classification: Likely benign. Review status: criteria provided, single submitter. Criteria: ACMG Guidelines, 2015. Collection method: not provided. Allele origin: germline. Inheritance: Autosomal recessive inheritance. Affected: yes.

NM_153717.3(EVC):c.*2310G>A

Gene: EVC (EvC ciliary complex subunit 1; plus strand). Cytogenetic location: 4p16.2.
Variant type: single nucleotide variant.
Coding change: c.*2310G>A on transcript NM_153717.3 (MANE Select); 2310 bases downstream of the stop codon, G replaced by A.
Molecular consequence: 3 prime UTR variant.
Genome position (GRCh38, 1-based): chr4:5,813,347, G>A. VCF-style: chr4-5813347-G-A. GRCh37 (hg19) VCF-style: chr4-5815074-G-A.
Other names: c.*2310G>A (NM_001306090.2).
Identifiers: ClinVar variation 349269 (VCV000349269.6), dbSNP rs539844915, ClinGen allele CA10621422.
Genomic context (GRCh38, chr4:5,813,347, plus strand): 5'-CATCTCCCGGGTTCAAGCGATTTTCCTGCCTCAGCCTCCCCAGTAGCTGGGACTACAGAC[G>A]TGTGCCACCACGCCTGGCTAAATCTTTTTTGTATTTTATTTTAGTAGAGACGGGGTTTCA-3'